The following is an entry in ClinVar:

ClinVar aggregate classification (germline): Uncertain significance (1 of 4 stars; one submission).

Conditions:
Hereditary cancer-predisposing syndrome. Also called: Neoplastic Syndromes, Hereditary; Tumor predisposition; Hereditary Cancer Syndrome; Hereditary neoplastic syndrome. Identifiers: Orphanet 140162, MedGen C0027672, MeSH D009386, MONDO:0015356.

Submission:

Ambry Genetics
Classification: Uncertain significance for Hereditary cancer-predisposing syndrome. Last evaluated: 2025-11-23. Review status: criteria provided, single submitter. Criteria: Ambry Variant Classification Scheme 2023. Collection method: clinical testing. Allele origin: germline.
Comment: The p.Y827H variant (also known as c.2479T>C), located in coding exon 22 of the POLE gene, results from a T to C substitution at nucleotide position 2479. The tyrosine at codon 827 is replaced by histidine, an amino acid with similar properties. This amino acid position is conserved. In addition, the in silico prediction for this alteration is inconclusive. Based on the available evidence, the clinical significance of this variant remains unclear.

NM_006231.4(POLE):c.2479T>C (p.Tyr827His)

Gene: POLE (DNA polymerase epsilon, catalytic subunit; minus strand). Cytogenetic location: 12q24.33.
Variant type: single nucleotide variant.
Coding change: c.2479T>C on transcript NM_006231.4 (MANE Select); coding-DNA position 2479, T replaced by C.
Protein change: p.Tyr827His; replaces tyrosine 827 with histidine.
Molecular consequence: missense variant.
Genome position (GRCh38, 1-based): chr12:132,664,452, A>G on the plus strand (T>C on the coding strand, the complement: POLE is on the minus strand). VCF-style: chr12-132664452-A-G. GRCh37 (hg19) VCF-style: chr12-133241038-A-G.
Other names: short protein forms Y827H.
Identifiers: ClinVar variation 4672516 (VCV004672516.1).